The following is an entry in ClinVar:

NM_006204.4(PDE6C):c.1008G>A (p.Thr336=)

Gene: PDE6C (phosphodiesterase 6C; plus strand). Cytogenetic location: 10q23.33.
Variant type: single nucleotide variant.
Coding change: c.1008G>A on transcript NM_006204.4 (MANE Select); coding-DNA position 1008, G replaced by A.
Protein change: p.Thr336=; no amino-acid change (threonine 336 retained).
Molecular consequence: synonymous variant.
Genome position (GRCh38, 1-based): chr10:93,626,808, G>A. VCF-style: chr10-93626808-G-A. GRCh37 (hg19) VCF-style: chr10-95386565-G-A.
Other names: c.1008G>A (NM_006204.3).
Identifiers: ClinVar variation 1112788 (VCV001112788.12), dbSNP rs146963508, ClinGen allele CA5610032.

ClinVar aggregate classification (germline): Likely benign. Review status: criteria provided, multiple submitters, no conflicts (2 of 4 stars). 3 submissions from 3 submitters: Likely benign (2). 1 of the submissions does not count toward it. Last evaluated 2025-09-05.

Conditions:
PDE6C-related disorder. Also called: PDE6C-related condition.

Allele frequency attached by ClinVar (database versions not stated): ExAC 0.00002; gnomAD exomes 0.00002 and 0.00004; TOPMed 0.00005; ESP Exome Variant Server 0.00008; gnomAD 0.00008 and 0.00009.

Submissions (3):

Labcorp Genetics (formerly Invitae), Labcorp
Classification: Likely benign. Last evaluated: 2025-09-05. Review status: criteria provided, single submitter. Criteria: Invitae Variant Classification Sherloc (09022015). Collection method: clinical testing. Allele origin: germline.

Blueprint Genetics
Classification: Likely benign. Last evaluated: 2023-07-04. Review status: criteria provided, single submitter. Criteria: ACMG Guidelines, 2015. Collection method: clinical testing. Allele origin: germline.

PreventionGenetics, part of Exact Sciences
Classification: Likely benign for PDE6C-related condition. Last evaluated: 2019-07-17. Review status: no assertion criteria provided. Collection method: clinical testing. Allele origin: germline. Not counted in ClinVar's aggregate classification.
Comment: This variant is classified as likely benign based on ACMG/AMP sequence variant interpretation guidelines (Richards et al. 2015 PMID: 25741868, with internal and published modifications).